The following is an entry in ClinVar:

NM_001557.4(CXCR2):c.87G>T (p.Leu29=)

Gene: CXCR2 (C-X-C motif chemokine receptor 2; plus strand). Cytogenetic location: 2q35.
Variant type: single nucleotide variant.
Coding change: c.87G>T on transcript NM_001557.4 (MANE Select); coding-DNA position 87, G replaced by T.
Protein change: p.Leu29=; no amino-acid change (leucine 29 retained).
Molecular consequence: synonymous variant.
Genome position (GRCh38, 1-based): chr2:218,134,888, G>T. VCF-style: chr2-218134888-G-T. GRCh37 (hg19) VCF-style: chr2-218999611-G-T.
Other names: p.Leu29=; c.87G>T, p.Leu29= (NM_001168298.2); c.87G>T (NM_001168298.1).
Identifiers: ClinVar variation 749604 (VCV000749604.37), dbSNP rs148935180, ClinGen allele CA2101642.
Genomic context (GRCh38, chr2:218,134,888, plus strand): 5'-CAGCTTTGAAGATTTCTGGAAAGGTGAAGATCTTAGTAATTACAGTTACAGCTCTACCCT[G>T]CCCCCTTTTCTACTAGATGCCGCCCCATGTGAACCAGAATCCCTGGAAATCAACAAGTAT-3'
Protein context (NP_001548.1, residues 19-39): DLSNYSYSST[Leu29=]PPFLLDAAPC

ClinVar aggregate classification (germline): Likely benign. Review status: criteria provided, multiple submitters, no conflicts (2 of 4 stars). 7 submissions from 7 submitters: Likely benign (6). 1 of the submissions does not count toward it. Last evaluated 2026-02-01.

Conditions:
CXCR2-related disorder. Also called: CXCR2-related condition.

Allele frequency attached by ClinVar (database versions not stated): gnomAD 0.00051 and 0.00054; ExAC 0.00058; TOPMed 0.00061; gnomAD exomes 0.00062; ESP Exome Variant Server 0.00123.
gnomAD v4.1: 1,720 of 1,613,988 alleles (0.11%); highest among the groups gnomAD compares: Non-Finnish European, 0.13%; 2 homozygotes.

Submissions (7):

Labcorp Genetics (formerly Invitae), Labcorp
Classification: Likely benign. Last evaluated: 2026-02-01. Review status: criteria provided, single submitter. Criteria: Invitae Variant Classification Sherloc (09022015). Collection method: clinical testing. Allele origin: germline.

Women's Health and Genetics/Laboratory Corporation of America, LabCorp
Classification: Likely benign. Last evaluated: 2026-01-23. Review status: criteria provided, single submitter. Criteria: LabCorp Variant Classification Summary - May 2015. Collection method: clinical testing. Allele origin: germline.

Mayo Clinic Laboratories, Mayo Clinic
Classification: Likely benign. Last evaluated: 2025-09-29. Review status: criteria provided, single submitter. Criteria: ACMG Guidelines, 2015. Collection method: clinical testing. Allele origin: germline. Observed: 1 variant allele.
Comment: BS1

Blueprint Genetics
Classification: Likely benign. Last evaluated: 2024-11-21. Review status: criteria provided, single submitter. Criteria: ACMG Guidelines, 2015. Collection method: clinical testing. Allele origin: germline.

CeGaT Center for Human Genetics Tuebingen
Classification: Likely benign. Last evaluated: 2023-05-01. Review status: criteria provided, single submitter. Criteria: CeGaT Center For Human Genetics Tuebingen Variant Classification Criteria Version 2. Collection method: clinical testing. Allele origin: germline. Affected: yes. Observed: 1 variant allele.
Comment: CXCR2: BS2

Breakthrough Genomics
Classification: Likely benign. Review status: criteria provided, single submitter. Criteria: ACMG Guidelines, 2015. Collection method: not provided. Allele origin: germline. Inheritance: Autosomal recessive inheritance. Affected: yes.

PreventionGenetics, part of Exact Sciences
Classification: Likely benign for CXCR2-related condition. Last evaluated: 2023-12-11. Review status: no assertion criteria provided. Collection method: clinical testing. Allele origin: germline. Not counted in ClinVar's aggregate classification.
Comment: This variant is classified as likely benign based on ACMG/AMP sequence variant interpretation guidelines (Richards et al. 2015 PMID: 25741868, with internal and published modifications).